The following is an entry in ClinVar:

NM_001032283.3(TMPO):c.565+2472A>C

Gene: TMPO (thymopoietin; plus strand). Cytogenetic location: 12q23.1.
Variant type: single nucleotide variant.
Coding change: c.565+2472A>C on transcript NM_001032283.3 (MANE Select); 2472 bases into the intron after coding-DNA position 565, A replaced by C.
Molecular consequence: intron variant. On other transcripts: missense variant (1).
Genome position (GRCh38, 1-based): chr12:98,534,310, A>C. VCF-style: chr12-98534310-A-C. GRCh37 (hg19) VCF-style: chr12-98928088-A-C.
Other names: c.2053A>C, p.Lys685Gln (NM_003276.2); c.565+2472A>C (NM_001307975.2, NM_001032284.3); short protein forms K685Q.
Identifiers: ClinVar variation 1512934 (VCV001512934.8), dbSNP rs1877431244, ClinGen allele CA386154507.
Genomic context (GRCh38, chr12:98,534,310, plus strand): 5'-AAGAATAAGCTGGCTTCCACTCCCTTTAAAGGTGGAACATTATTTGGAGGAGAAGTATGC[A>C]AAGTAATTAAAAAGCGTGGAAATAAACACTAGTAAAATTAAGGACAAAAAGACATCTATC-3'

ClinVar aggregate classification (germline): Uncertain significance (1 of 4 stars; one submission).

Conditions:
Loeys-Dietz syndrome 2 (LDS2). Also called: TGFBR2-Related Loeys-Dietz Syndrome; Marfan Syndrome type 2; Marfan like connective tissue disorder; MFS 2; Marfan syndrome, type 2 (formerly); AORTIC ANEURYSM, FAMILIAL THORACIC 3. Identifiers: Orphanet 284973, Orphanet 558, MedGen C2674574, MONDO:0012427, OMIM 610168.

gnomAD v4.1: 3 of 1,613,016 alleles (0.00019%); highest among the groups gnomAD compares: African/African-American, 0.0013%; no homozygotes.

Submission:

Labcorp Genetics (formerly Invitae), Labcorp
Classification: Uncertain significance for Loeys-Dietz syndrome 2. Last evaluated: 2021-03-01. Review status: criteria provided, single submitter. Criteria: Invitae Variant Classification Sherloc (09022015). Collection method: clinical testing. Allele origin: germline.
Comment: In summary, the available evidence is currently insufficient to determine the role of this variant in disease. Therefore, it has been classified as a Variant of Uncertain Significance. Algorithms developed to predict the effect of missense changes on protein structure and function (SIFT, PolyPhen-2, Align-GVGD) all suggest that this variant is likely to be tolerated, but these predictions have not been confirmed by published functional studies and their clinical significance is uncertain. This variant has not been reported in the literature in individuals with TMPO-related conditions. This variant is not present in population databases (ExAC no frequency). This sequence change replaces lysine with glutamine at codon 685 of the TMPO protein (p.Lys685Gln). The lysine residue is weakly conserved and there is a small physicochemical difference between lysine and glutamine.